The following is an entry in ClinVar:

NM_005996.4(TBX3):c.562C>T (p.Pro188Ser)

Gene: TBX3 (T-box transcription factor 3; minus strand). Cytogenetic location: 12q24.21.
Variant type: single nucleotide variant.
Coding change: c.562C>T on transcript NM_005996.4 (MANE Select); coding-DNA position 562, C replaced by T.
Protein change: p.Pro188Ser; replaces proline 188 with serine.
Molecular consequence: missense variant.
Genome position (GRCh38, 1-based): chr12:114,680,974, G>A on the plus strand (C>T on the coding strand, the complement: TBX3 is on the minus strand). VCF-style: chr12-114680974-G-A. GRCh37 (hg19) VCF-style: chr12-115118779-G-A.
Other names: c.562C>T, p.Pro188Ser (NM_016569.4); short protein forms P188S.
Identifiers: ClinVar variation 2853883 (VCV002853883.3), dbSNP rs989654838, ClinGen allele CA244153137.

ClinVar aggregate classification (germline): Uncertain significance (1 of 4 stars; one submission).

Conditions:
Ulnar-mammary syndrome (UMS). Also called: SCHINZEL SYNDROME; Ulnar-mammary syndrome of Pallister; PALLISTER ULNAR-MAMMARY SYNDROME. Identifiers: Orphanet 3138, MedGen C1866994, MONDO:0008411, OMIM 181450.

Submission:

Labcorp Genetics (formerly Invitae), Labcorp
Classification: Uncertain significance for Ulnar-mammary syndrome. Last evaluated: 2023-04-09. Review status: criteria provided, single submitter. Criteria: Invitae Variant Classification Sherloc (09022015). Collection method: clinical testing. Allele origin: germline.
Comment: In summary, the available evidence is currently insufficient to determine the role of this variant in disease. Therefore, it has been classified as a Variant of Uncertain Significance. An algorithm developed to predict the effect of missense changes on protein structure and function (PolyPhen-2) suggests that this variant is likely to be disruptive. This variant has not been reported in the literature in individuals affected with TBX3-related conditions. This variant is not present in population databases (gnomAD no frequency). This sequence change replaces proline, which is neutral and non-polar, with serine, which is neutral and polar, at codon 188 of the TBX3 protein (p.Pro188Ser).